The following is an entry in ClinVar:

ClinVar aggregate classification (germline): Uncertain significance. Review status: criteria provided, multiple submitters, no conflicts (2 of 4 stars). 3 submissions from 3 submitters: Uncertain significance (2). 1 of the submissions does not count toward it. Last evaluated 2025-12-09.

Conditions:
Alport syndrome. Also called: Hemorrhagic familial nephritis; Hemorrhagic hereditary nephritis; Congenital hereditary hematuria. Identifiers: Orphanet 63, MedGen C1567741, MONDO:0018965.

Allele frequency attached by ClinVar (database versions not stated): gnomAD exomes 0.00001 and 0.00005; ExAC 0.00002; gnomAD 0.00002; TOPMed 0.00003.
gnomAD v4.1: 70 of 1,614,116 alleles (0.0043%); highest among the groups gnomAD compares: Non-Finnish European, 0.0058%; no homozygotes.

Submissions (3):

GeneDx
Classification: Uncertain significance. Last evaluated: 2025-12-09. Review status: criteria provided, single submitter. Criteria: GeneDx Variant Classification Process June 2021. Collection method: clinical testing. Allele origin: germline. Affected: yes.
Comment: Not observed at significant frequency in large population cohorts (gnomAD); In silico analysis supports that this missense variant has a deleterious effect on protein structure/function; Occurs in the triple helical domain at the Y position in the canonical Gly-X-Y repeat; although this variant may have an effect on normal protein folding and function, missense substitution at the Y position is not a common mechanism of disease; Has not been previously published as pathogenic or benign to our knowledge

Labcorp Genetics (formerly Invitae), Labcorp
Classification: Uncertain significance. Last evaluated: 2023-12-16. Review status: criteria provided, single submitter. Criteria: Invitae Variant Classification Sherloc (09022015). Collection method: clinical testing. Allele origin: germline.
Comment: This sequence change replaces arginine, which is basic and polar, with glycine, which is neutral and non-polar, at codon 1038 of the COL4A4 protein (p.Arg1038Gly). This variant is present in population databases (rs770930167, gnomAD 0.002%). This variant has not been reported in the literature in individuals affected with COL4A4-related conditions. ClinVar contains an entry for this variant (Variation ID: 1208567). Advanced modeling of protein sequence and biophysical properties (such as structural, functional, and spatial information, amino acid conservation, physicochemical variation, residue mobility, and thermodynamic stability) performed at Invitae indicates that this missense variant is not expected to disrupt COL4A4 protein function with a negative predictive value of 95%. In summary, the available evidence is currently insufficient to determine the role of this variant in disease. Therefore, it has been classified as a Variant of Uncertain Significance.

Natera, Inc.
Classification: Uncertain significance for Alport syndrome. Last evaluated: 2020-06-29. Review status: no assertion criteria provided. Collection method: clinical testing. Allele origin: germline. Not counted in ClinVar's aggregate classification.

NM_000092.5(COL4A4):c.3112A>G (p.Arg1038Gly)

Gene: COL4A4 (collagen type IV alpha 4 chain; minus strand). Cytogenetic location: 2q36.3.
Variant type: single nucleotide variant.
Coding change: c.3112A>G on transcript NM_000092.5 (MANE Select); coding-DNA position 3112, A replaced by G.
Protein change: p.Arg1038Gly; replaces arginine 1038 with glycine.
Molecular consequence: missense variant.
Genome position (GRCh38, 1-based): chr2:227,051,015, T>C on the plus strand (A>G on the coding strand, the complement: COL4A4 is on the minus strand). VCF-style: chr2-227051015-T-C. GRCh37 (hg19) VCF-style: chr2-227915731-T-C.
Other names: short protein forms R1038G.
Identifiers: ClinVar variation 1208567 (VCV001208567.8), dbSNP rs770930167, ClinGen allele CA2144634.
Genomic context (GRCh38, chr2:227,051,015, plus strand): 5'-CCACAAAGCAGTAGCCCCTTACCTGGTCACCTGGAAGTCCTGGAAAACCAATGAACCCTC[T>C]TAGACCAGTTGAGCCTGGAGGGCCTGGGGGTCCAGGAGGCCCTGGCTGACCTTTCTCACC-3'
Protein context (NP_000083.3, residues 1028-1048): PPGPPGSTGL[Arg1038Gly]GFIGFPGLPG